The following is an entry in ClinVar:

NM_000548.5(TSC2):c.5160+35G>A

Gene: TSC2 (TSC complex subunit 2; plus strand). Cytogenetic location: 16p13.3.
Variant type: single nucleotide variant.
Coding change: c.5160+35G>A on transcript NM_000548.5 (MANE Select); 35 bases into the intron after coding-DNA position 5160, G replaced by A.
Molecular consequence: intron variant.
Genome position (GRCh38, 1-based): chr16:2,088,174, G>A. VCF-style: chr16-2088174-G-A. GRCh37 (hg19) VCF-style: chr16-2138175-G-A.
Other names: c.3618+35G>A (NM_001406693.1, NM_001406692.1, NM_001406694.1); c.5052+35G>A (NM_001406667.1); c.5049+35G>A (NM_001406668.1); c.4560+35G>A (NM_001406680.1); c.4491+35G>A (NM_001406683.1, NM_001406682.1); c.4359+35G>A (NM_001406687.1, NM_001406688.1); c.3747+35G>A (NM_001406689.1); c.3687+35G>A (NM_001406690.1); and 26 more.
Identifiers: ClinVar variation 3358486 (VCV003358486.5).

ClinVar aggregate classification (germline): Likely benign. Review status: criteria provided, single submitter (1 of 4 stars). 2 submissions from 2 submitters: Likely benign (1). 1 of the submissions does not count toward it. Last evaluated 2026-06-01.

Conditions:
TSC2-related disorder. Also called: TSC2-related condition; TSC2-Related Disorders.

Submissions (2):

CeGaT Center for Human Genetics Tuebingen
Classification: Likely benign. Last evaluated: 2026-06-01. Review status: criteria provided, single submitter. Criteria: CeGaT Center For Human Genetics Tuebingen Variant Classification Criteria Version 2. Collection method: clinical testing. Allele origin: germline. Affected: yes. Observed: 2 variant alleles.
Comment: TSC2: BS2

PreventionGenetics, part of Exact Sciences
Classification: Likely benign for TSC2-related condition. Last evaluated: 2024-06-18. Review status: no assertion criteria provided. Collection method: clinical testing. Allele origin: germline. Not counted in ClinVar's aggregate classification.
Comment: This variant is classified as likely benign based on ACMG/AMP sequence variant interpretation guidelines (Richards et al. 2015 PMID: 25741868, with internal and published modifications).